The following is an entry in ClinVar:

ClinVar aggregate classification (germline): Uncertain significance (1 of 4 stars; one submission).

Submission:

GeneDx
Classification: Uncertain significance. Last evaluated: 2022-10-13. Review status: criteria provided, single submitter. Criteria: GeneDx Variant Classification Process June 2021. Collection method: clinical testing. Allele origin: germline. Affected: yes.
Comment: Not observed at significant frequency in large population cohorts (gnomAD); Frameshift variant predicted to result in protein truncation or nonsense-mediated decay in a gene or region of a gene for which loss of function is not a well-established mechanism of disease; Has not been previously published as pathogenic or benign to our knowledge

NM_007215.4(POLG2):c.1124_1127del (p.His375fs)

Genes: MILR1 (mast cell immunoglobulin like receptor 1; plus strand), POLG2 (DNA polymerase gamma 2, accessory subunit; minus strand). Cytogenetic location: 17q23.3.
Variant type: Deletion.
Coding change: c.1124_1127del on transcript NM_007215.4 (MANE Select); coding-DNA positions 1124 to 1127, 4 bases deleted (ACCC; older notation c.1124_1127delACCC).
Protein change: p.His375fs; shifts the reading frame from histidine 375.
Molecular consequence: frameshift variant.
Genome position (GRCh38, 1-based): chr17:64,482,983-64,482,986, GGGT deleted on the plus strand (ACCC on the coding strand, the reverse complement: POLG2 is on the minus strand); deleting any 4 consecutive bases within chr17:64,482,983-64,482,987 gives the same sequence; the c. name uses the placement nearest the transcript's 3' end. VCF-style (leftmost placement, unchanged base first): chr17-64482982-AGGGT-A. GRCh37 (hg19) VCF-style: chr17-62479099-AGGGT-A.
Other names: short protein forms H375fs.
Identifiers: ClinVar variation 2499184 (VCV002499184.1), dbSNP rs2509525232, ClinGen allele CA2580094619.